The following is an entry in ClinVar:

NM_020919.4(ALS2):c.1880A>G (p.Asp627Gly)

Gene: ALS2 (alsin Rho guanine nucleotide exchange factor ALS2; minus strand). Cytogenetic location: 2q33.1.
Variant type: single nucleotide variant.
Coding change: c.1880A>G on transcript NM_020919.4 (MANE Select); coding-DNA position 1880, A replaced by G.
Protein change: p.Asp627Gly; replaces aspartic acid 627 with glycine.
Molecular consequence: missense variant.
Genome position (GRCh38, 1-based): chr2:201,746,684, T>C on the plus strand (A>G on the coding strand, the complement: ALS2 is on the minus strand). VCF-style: chr2-201746684-T-C. GRCh37 (hg19) VCF-style: chr2-202611407-T-C.
Other names: c.1880A>G, p.Asp627Gly (NM_001410975.1); short protein forms D627G.
Identifiers: ClinVar variation 1976041 (VCV001976041.5), dbSNP rs2469862388, ClinGen allele CA350325537.

ClinVar aggregate classification (germline): Uncertain significance (1 of 4 stars; one submission).

Conditions:
Infantile-onset ascending hereditary spastic paralysis (IAHSP). Also called: Autosomal Recessive Juvenile Amyotrophic Lateral Sclerosis; Infantile-Onset Ascending Hereditary Spastic Paralysis (IAHSP). Identifiers: Orphanet 293168, MedGen C2931441, MONDO:0011797, OMIM 607225. Disease mechanism: loss of function.

Submission:

Labcorp Genetics (formerly Invitae), Labcorp
Classification: Uncertain significance for Infantile-onset ascending hereditary spastic paralysis. Last evaluated: 2022-04-20. Review status: criteria provided, single submitter. Criteria: Invitae Variant Classification Sherloc (09022015). Collection method: clinical testing. Allele origin: germline.
Comment: In summary, the available evidence is currently insufficient to determine the role of this variant in disease. Therefore, it has been classified as a Variant of Uncertain Significance. Algorithms developed to predict the effect of sequence changes on RNA splicing suggest that this variant may disrupt the consensus splice site. Algorithms developed to predict the effect of missense changes on protein structure and function are either unavailable or do not agree on the potential impact of this missense change (SIFT: "Tolerated"; PolyPhen-2: "Probably Damaging"; Align-GVGD: "Class C0"). This variant has not been reported in the literature in individuals affected with ALS2-related conditions. This variant is not present in population databases (gnomAD no frequency). This sequence change replaces aspartic acid, which is acidic and polar, with glycine, which is neutral and non-polar, at codon 627 of the ALS2 protein (p.Asp627Gly).